The following is an entry in ClinVar:

ClinVar aggregate classification (germline): Uncertain significance (1 of 4 stars; one submission).

Allele frequency attached by ClinVar (database versions not stated): gnomAD exomes below 0.00001; gnomAD 0.00002; TOPMed 0.00005.

Submission:

Labcorp Genetics (formerly Invitae), Labcorp
Classification: Uncertain significance. Last evaluated: 2022-06-09. Review status: criteria provided, single submitter. Criteria: Invitae Variant Classification Sherloc (09022015). Collection method: clinical testing. Allele origin: germline.
Comment: This sequence change replaces phenylalanine, which is neutral and non-polar, with leucine, which is neutral and non-polar, at codon 1059 of the NCKAP1L protein (p.Phe1059Leu). This variant is not present in population databases (gnomAD no frequency). This variant has not been reported in the literature in individuals affected with NCKAP1L-related conditions. Algorithms developed to predict the effect of missense changes on protein structure and function are either unavailable or do not agree on the potential impact of this missense change (SIFT: "Deleterious"; PolyPhen-2: "Probably Damaging"; Align-GVGD: "Class C0"). In summary, the available evidence is currently insufficient to determine the role of this variant in disease. Therefore, it has been classified as a Variant of Uncertain Significance.

NM_005337.5(NCKAP1L):c.3175T>C (p.Phe1059Leu)

Gene: NCKAP1L (NCK associated protein 1 like; plus strand). Cytogenetic location: 12q13.2.
Variant type: single nucleotide variant.
Coding change: c.3175T>C on transcript NM_005337.5 (MANE Select); coding-DNA position 3175, T replaced by C.
Protein change: p.Phe1059Leu; replaces phenylalanine 1059 with leucine.
Molecular consequence: missense variant.
Genome position (GRCh38, 1-based): chr12:54,537,045, T>C. VCF-style: chr12-54537045-T-C. GRCh37 (hg19) VCF-style: chr12-54930829-T-C.
Other names: c.3025T>C, p.Phe1009Leu (NM_001184976.2); short protein forms F1059L, F1009L.
Identifiers: ClinVar variation 1924449 (VCV001924449.2), dbSNP rs919701141, ClinGen allele CA237467409.